The following is an entry in ClinVar:

NM_000466.3(PEX1):c.337G>A (p.Ala113Thr)

Gene: PEX1 (peroxisomal biogenesis factor 1; minus strand). Cytogenetic location: 7q21.2.
Variant type: single nucleotide variant.
Coding change: c.337G>A on transcript NM_000466.3 (MANE Select); coding-DNA position 337, G replaced by A.
Protein change: p.Ala113Thr; replaces alanine 113 with threonine.
Molecular consequence: missense variant. On other transcripts: 5 prime UTR variant (1).
Genome position (GRCh38, 1-based): chr7:92,519,015, C>T on the plus strand (G>A on the coding strand, the complement: PEX1 is on the minus strand). VCF-style: chr7-92519015-C-T. GRCh37 (hg19) VCF-style: chr7-92148329-C-T.
Other names: c.337G>A, p.Ala113Thr (NM_001282677.2); c.-323G>A (NM_001282678.2); short protein forms A113T.
Identifiers: ClinVar variation 2131363 (VCV002131363.2), dbSNP rs2484706877, ClinGen allele CA368202971.
Genomic context (GRCh38, chr7:92,519,015, plus strand): 5'-TTAACCTTAAATGAGATAGTTCTTATTTGGTTTTCTTTACCAGTATCTCCCAATCATCTG[C>T]TGAGAGGGGTTCCACCTCAACTTGTTGACAAGATACCACATGGGAACATGGCTTGAGAAA-3'
Protein context (NP_000457.1, residues 103-123): CQQVEVEPLS[Ala113Thr]DDWEILELHA

ClinVar aggregate classification (germline): Uncertain significance. Review status: criteria provided, multiple submitters, no conflicts (2 of 4 stars). 2 submissions from 2 submitters: Uncertain significance (2). Last evaluated 2022-11-09.

Conditions:
Zellweger spectrum disorders (ZS). Also called: Zellweger syndrome; Zellweger Spectrum Disorder (ZSD); Zellweger Spectrum Disorder; Zellweger Spectrum. Identifiers: Orphanet 912, MedGen C0043459, MONDO:0019609.

Submissions (2):

Blueprint Genetics
Classification: Uncertain significance. Last evaluated: 2022-11-09. Review status: criteria provided, single submitter. Criteria: ACMG Guidelines, 2015. Collection method: clinical testing. Allele origin: germline.

Labcorp Genetics (formerly Invitae), Labcorp
Classification: Uncertain significance for Zellweger spectrum disorders. Last evaluated: 2022-05-12. Review status: criteria provided, single submitter. Criteria: Invitae Variant Classification Sherloc (09022015). Collection method: clinical testing. Allele origin: germline.
Comment: This sequence change replaces alanine, which is neutral and non-polar, with threonine, which is neutral and polar, at codon 113 of the PEX1 protein (p.Ala113Thr). This variant is not present in population databases (gnomAD no frequency). This variant has not been reported in the literature in individuals affected with PEX1-related conditions. Algorithms developed to predict the effect of missense changes on protein structure and function are either unavailable or do not agree on the potential impact of this missense change (SIFT: "Tolerated"; PolyPhen-2: "Possibly Damaging"; Align-GVGD: "Class C0"). In summary, the available evidence is currently insufficient to determine the role of this variant in disease. Therefore, it has been classified as a Variant of Uncertain Significance.